The following is an entry in ClinVar:

NM_001166108.2(PALLD):c.1965-12698_1965-12690del

Gene: PALLD (palladin, cytoskeletal associated protein; plus strand). Cytogenetic location: 4q32.3.
Variant type: Deletion.
Coding change: c.1965-12698_1965-12690del on transcript NM_001166108.2 (MANE Select); 12698 bases into the intron before coding-DNA position 1965 through 12690 bases into the intron before coding-DNA position 1965, 9 bases deleted (GCCGCCACC; older notation c.1965-12698_1965-12690delGCCGCCACC).
Molecular consequence: intron variant. On other transcripts: inframe deletion (1).
Genome position (GRCh38, 1-based): chr4:168,878,224-168,878,232, GCCGCCACC deleted; deleting any 9 consecutive bases within chr4:168,878,222-168,878,232 gives the same sequence; the c. name uses the placement nearest the transcript's 3' end. VCF-style (leftmost placement, unchanged base first): chr4-168878221-GCCGCCGCCA-G. GRCh37 (hg19) VCF-style: chr4-169799372-GCCGCCGCCA-G.
Other names: c.333_341del, p.Pro114_Pro116del (NM_001166110.2); c.1965-12698_1965-12690del (NM_016081.4); c.819-12698_819-12690del (NM_001166109.2); c.-157-12698_-157-12690del (NM_001367570.1, NM_001367568.1, NM_001367567.1 and 1 more transcripts).
Identifiers: ClinVar variation 834287 (VCV000834287.9), dbSNP rs1752077261, ClinGen allele CA916082667.

ClinVar aggregate classification (germline): Uncertain significance (1 of 4 stars; one submission).

Conditions:
Pancreatic adenocarcinoma. Identifiers: MedGen C0281361, MONDO:0006047, HP:0006725.

Submission:

Labcorp Genetics (formerly Invitae), Labcorp
Classification: Uncertain significance for Pancreatic adenocarcinoma. Last evaluated: 2019-01-10. Review status: criteria provided, single submitter. Criteria: Invitae Variant Classification Sherloc (09022015). Collection method: clinical testing. Allele origin: germline.
Comment: This variant has not been reported in the literature in individuals with PALLD-related conditions. The frequency data for this variant in the population databases is considered unreliable, as metrics indicate insufficient coverage at this position in the ExAC database. This variant, c.333_341del, results in the deletion of 3 amino acids of the PALLD protein (p.Pro114_Pro116del), but otherwise preserves the integrity of the reading frame. Experimental studies and prediction algorithms are not available for this variant, and the functional significance of the affected amino acid(s) is currently unknown. In summary, the available evidence is currently insufficient to determine the role of this variant in disease. Therefore, it has been classified as a Variant of Uncertain Significance.